The following is an entry in ClinVar:

ClinVar aggregate classification (germline): Benign (0 of 4 stars; one submission).

Conditions:
LRFN5-related disorder. Also called: LRFN5-related condition.

Allele frequency attached by ClinVar (database versions not stated): gnomAD exomes 0.00030; ExAC 0.00094; 1000 Genomes Project 0.00280; ESP Exome Variant Server 0.00308; gnomAD 0.00317; TOPMed 0.00349; 1000 Genomes Project 30x 0.00375.
gnomAD v4.1: 938 of 1,614,088 alleles (0.058%); highest among the groups gnomAD compares: African/African-American, 1.1%; 10 homozygotes.

Submission:

PreventionGenetics, part of Exact Sciences
Classification: Benign for LRFN5-related condition. Last evaluated: 2019-12-16. Review status: no assertion criteria provided. Collection method: clinical testing. Allele origin: germline.
Comment: This variant is classified as benign based on ACMG/AMP sequence variant interpretation guidelines (Richards et al. 2015 PMID: 25741868, with internal and published modifications).

NM_152447.5(LRFN5):c.2055T>G (p.Ser685=)

Gene: LRFN5 (leucine rich repeat and fibronectin type III domain containing 5; plus strand). Cytogenetic location: 14q21.1.
Variant type: single nucleotide variant.
Coding change: c.2055T>G on transcript NM_152447.5 (MANE Select); coding-DNA position 2055, T replaced by G.
Protein change: p.Ser685=; no amino-acid change (serine 685 retained).
Molecular consequence: synonymous variant. On other transcripts: non-coding transcript variant (2), intron variant (2).
Genome position (GRCh38, 1-based): chr14:41,891,919, T>G. VCF-style: chr14-41891919-T-G. GRCh37 (hg19) VCF-style: chr14-42361122-T-G.
Other names: c.2055T>G, p.Ser685= (NM_001346173.2); c.1385+3909T>G (NM_001330106.2, NM_001346175.2).
Identifiers: ClinVar variation 3048932 (VCV003048932.2), dbSNP rs34676437, ClinGen allele CA7165644.